The following is an entry in ClinVar:

ClinVar aggregate classification (germline): Uncertain significance (1 of 4 stars; one submission).

Conditions:
Aortic aneurysm, familial thoracic 7 (AAT7). Also called: AORTIC DISSECTION, FAMILIAL, WITH OR WITHOUT AORTIC ANEURYSM. Identifiers: MedGen C3151077, MONDO:0013418, OMIM 613780.

gnomAD v4.1: 1 of 1,613,800 alleles (0.000062%); highest among the groups gnomAD compares: Admixed American, 0.0017%; no homozygotes.

Submission:

Labcorp Genetics (formerly Invitae), Labcorp
Classification: Uncertain significance for Aortic aneurysm, familial thoracic 7. Last evaluated: 2025-12-06. Review status: criteria provided, single submitter. Criteria: Invitae Variant Classification Sherloc (09022015). Collection method: clinical testing. Allele origin: germline.
Comment: This sequence change falls in intron 15 of the MYLK gene. It does not directly change the encoded amino acid sequence of the MYLK protein. This variant is not present in population databases (gnomAD no frequency). This variant has not been reported in the literature in individuals affected with MYLK-related conditions. Algorithms developed to predict the effect of sequence changes on RNA splicing suggest that this variant may disrupt the consensus splice site. In summary, the available evidence is currently insufficient to determine the role of this variant in disease. Therefore, it has been classified as a Variant of Uncertain Significance.

NM_053025.4(MYLK):c.2141-13T>C

Gene: MYLK (myosin light chain kinase; minus strand). Cytogenetic location: 3q21.1.
Variant type: single nucleotide variant.
Coding change: c.2141-13T>C on transcript NM_053025.4 (MANE Select); 13 bases into the intron before coding-DNA position 2141, T replaced by C.
Molecular consequence: intron variant.
Genome position (GRCh38, 1-based): chr3:123,708,016, A>G on the plus strand (T>C on the coding strand, the complement: MYLK is on the minus strand). VCF-style: chr3-123708016-A-G. GRCh37 (hg19) VCF-style: chr3-123426863-A-G.
Other names: c.1613-13T>C (NM_001321309.2); c.1934-13T>C (NM_053028.4, NM_053026.4); c.2141-13T>C (NM_053027.4).
Identifiers: ClinVar variation 4760673 (VCV004760673.1).
Genomic context (GRCh38, chr3:123,708,016, plus strand): 5'-CTGAGCGAGGCTTACTGATGAACCAGGGCTGGGTGCCATCGTGAGGCTCTGGAAATTGGC[A>G]AAGGGCAGAGCTAAACAGGGATGTCCCTCAGCAGGCAGTGTCCACTCAATTCTCCATGGA-3'